The following is an entry in ClinVar:

NM_000256.3(MYBPC3):c.2732A>G (p.Glu911Gly)

Gene: MYBPC3 (myosin binding protein C3; minus strand). Cytogenetic location: 11p11.2.
Variant type: single nucleotide variant.
Coding change: c.2732A>G on transcript NM_000256.3 (MANE Select); coding-DNA position 2732, A replaced by G.
Protein change: p.Glu911Gly; replaces glutamic acid 911 with glycine.
Molecular consequence: missense variant.
Genome position (GRCh38, 1-based): chr11:47,335,882, T>C on the plus strand (A>G on the coding strand, the complement: MYBPC3 is on the minus strand). VCF-style: chr11-47335882-T-C. GRCh37 (hg19) VCF-style: chr11-47357433-T-C.
Other names: short protein forms E911G.
Identifiers: ClinVar variation 4738330 (VCV004738330.1).

ClinVar aggregate classification (germline): Uncertain significance (1 of 4 stars; one submission).

Conditions:
Hypertrophic cardiomyopathy. Also called: HYPERTROPHIC MYOCARDIOPATHY. Identifiers: Orphanet 217569, MedGen C0007194, MeSH D002312, MONDO:0005045, HP:0001639.

gnomAD v4.1: 4 of 1,515,196 alleles (0.00026%); highest among the groups gnomAD compares: Non-Finnish European, 0.00035%; no homozygotes.

Submission:

Labcorp Genetics (formerly Invitae), Labcorp
Classification: Uncertain significance for Hypertrophic cardiomyopathy. Last evaluated: 2025-11-12. Review status: criteria provided, single submitter. Criteria: Invitae Variant Classification Sherloc (09022015). Collection method: clinical testing. Allele origin: germline.
Comment: This sequence change replaces glutamic acid, which is acidic and polar, with glycine, which is neutral and non-polar, at codon 911 of the MYBPC3 protein (p.Glu911Gly). This variant is not present in population databases (gnomAD no frequency). This variant has not been reported in the literature in individuals affected with MYBPC3-related conditions. An algorithm developed to predict the effect of missense changes on protein structure and function (PolyPhen-2) suggests that this variant is likely to be disruptive. In summary, the available evidence is currently insufficient to determine the role of this variant in disease. Therefore, it has been classified as a Variant of Uncertain Significance.